The following is an entry in ClinVar:

NM_001145809.2(MYH14):c.5991G>A (p.Thr1997=)

Gene: MYH14 (myosin heavy chain 14; plus strand). Cytogenetic location: 19q13.33.
Variant type: single nucleotide variant.
Coding change: c.5991G>A on transcript NM_001145809.2 (MANE Select); coding-DNA position 5991, G replaced by A.
Protein change: p.Thr1997=; no amino-acid change (threonine 1997 retained).
Molecular consequence: synonymous variant.
Genome position (GRCh38, 1-based): chr19:50,309,670, G>A. VCF-style: chr19-50309670-G-A. GRCh37 (hg19) VCF-style: chr19-50812927-G-A.
Other names: c.5892G>A, p.Thr1964= (NM_001077186.2); c.5868G>A, p.Thr1956= (NM_024729.4).
Identifiers: ClinVar variation 164208 (VCV000164208.13), dbSNP rs181567755, ClinGen allele CA176931.

ClinVar aggregate classification (germline): Benign/Likely benign. Review status: criteria provided, multiple submitters, no conflicts (2 of 4 stars). 5 submissions from 5 submitters: Benign (3); Likely benign (2). Last evaluated 2026-06-29.

Allele frequency attached by ClinVar (database versions not stated): gnomAD exomes 0.00014 and 0.00027; ExAC 0.00047; TOPMed 0.00081; gnomAD 0.00083 and 0.00084; ESP Exome Variant Server 0.00089; 1000 Genomes Project 30x 0.00125; 1000 Genomes Project 0.00140.

Submissions (5):

Women's Health and Genetics/Laboratory Corporation of America, LabCorp
Classification: Benign. Last evaluated: 2026-06-29. Review status: criteria provided, single submitter. Criteria: LabCorp Variant Classification Summary - May 2015. Collection method: clinical testing. Allele origin: germline.

Labcorp Genetics (formerly Invitae), Labcorp
Classification: Benign. Last evaluated: 2025-04-19. Review status: criteria provided, single submitter. Criteria: Invitae Variant Classification Sherloc (09022015). Collection method: clinical testing. Allele origin: germline.

Blueprint Genetics
Classification: Likely benign. Last evaluated: 2024-04-24. Review status: criteria provided, single submitter. Criteria: ACMG Guidelines, 2015. Collection method: clinical testing. Allele origin: germline.

GeneDx
Classification: Likely benign. Last evaluated: 2021-02-19. Review status: criteria provided, single submitter. Criteria: GeneDx Variant Classification Process June 2021. Collection method: clinical testing. Allele origin: germline. Affected: yes.

Laboratory for Molecular Medicine, Mass General Brigham Personalized Medicine
Classification: Benign. Last evaluated: 2016-10-25. Review status: criteria provided, single submitter. Criteria: LMM Criteria. Collection method: clinical testing. Allele origin: germline. Observed: 5 variant alleles.
Comment: p.Thr1997Thr in exon 43 of MYH14: This variant is not expected to have clinical significance because it does not alter an amino acid residue, is not located wit hin the splice consensus sequence, and has been identified in 0.5% (34/6448) of African chromosomes by the Exome Aggregation Consortium (ExAC; dbSNP rs181567755).